The following is an entry in ClinVar:

NM_001048174.2(MUTYH):c.601G>A (p.Gly201Ser)

Gene: MUTYH (mutY DNA glycosylase; minus strand). Cytogenetic location: 1p34.1.
Variant type: single nucleotide variant.
Coding change: c.601G>A on transcript NM_001048174.2 (MANE Select); coding-DNA position 601, G replaced by A.
Protein change: p.Gly201Ser; replaces glycine 201 with serine.
Molecular consequence: missense variant. On other transcripts: non-coding transcript variant (2).
Genome position (GRCh38, 1-based): chr1:45,332,579, C>T on the plus strand (G>A on the coding strand, the complement: MUTYH is on the minus strand). VCF-style: chr1-45332579-C-T. GRCh37 (hg19) VCF-style: chr1-45798251-C-T.
Other names: c.601G>A, p.Gly201Ser (NM_001048171.2, NM_001048173.2, NM_001293195.2); c.604G>A, p.Gly202Ser (NM_001048172.2); c.685G>A, p.Gly229Ser (NM_001128425.2); c.646G>A, p.Gly216Ser (NM_001293190.2); c.634G>A, p.Gly212Ser (NM_001293191.2); c.325G>A, p.Gly109Ser (NM_001293192.2, NM_001293196.2); c.256G>A, p.Gly86Ser (NM_001350650.2, NM_001350651.2); c.676G>A, p.Gly226Ser (NM_012222.3); short protein forms G229S, G202S, G212S, G201S, G109S, G216S, G226S, G86S.
Identifiers: ClinVar variation 141680 (VCV000141680.21), dbSNP rs371102235, ClinGen allele CA014096.

ClinVar aggregate classification (germline): Conflicting classifications of pathogenicity. Review status: criteria provided, conflicting classifications (1 of 4 stars). 6 submissions from 6 submitters: Uncertain significance (5); Likely benign (1). Last evaluated 2025-10-17.

Conditions:
Hereditary cancer-predisposing syndrome. Also called: Neoplastic Syndromes, Hereditary; Hereditary Cancer Syndrome; Tumor predisposition; Hereditary neoplastic syndrome. Identifiers: Orphanet 140162, MedGen C0027672, MeSH D009386, MONDO:0015356.
Familial adenomatous polyposis 2. Also called: MUTYH-associated polyposis; MUTYH Polyposis; FAP type 2; Adenomas, multiple colorectal; COLORECTAL ADENOMATOUS POLYPOSIS, AUTOSOMAL RECESSIVE; ADENOMAS, MULTIPLE COLORECTAL, AUTOSOMAL RECESSIVE. Identifiers: Orphanet 220460, Orphanet 247798, MedGen C3272841, MONDO:0012041, OMIM 608456.

Allele frequency attached by ClinVar (database versions not stated): gnomAD exomes below 0.00001; TOPMed below 0.00001; gnomAD 0.00001.
gnomAD v4.1: 4 of 1,613,970 alleles (0.00025%); highest among the groups gnomAD compares: South Asian, 0.0022%; no homozygotes.

Submissions (6):

Labcorp Genetics (formerly Invitae), Labcorp
Classification: Uncertain significance for Familial adenomatous polyposis 2. Last evaluated: 2025-10-17. Review status: criteria provided, single submitter. Criteria: Invitae Variant Classification Sherloc (09022015). Collection method: clinical testing. Allele origin: germline.
Comment: This sequence change replaces glycine, which is neutral and non-polar, with serine, which is neutral and polar, at codon 229 of the MUTYH protein (p.Gly229Ser). This variant is present in population databases (rs371102235, gnomAD 0.003%). This variant has not been reported in the literature in individuals affected with MUTYH-related conditions. ClinVar contains an entry for this variant (Variation ID: 141680). An algorithm developed to predict the effect of missense changes on protein structure and function (PolyPhen-2) suggests that this variant is likely to be disruptive. RNA analysis performed to evaluate the impact of this missense change on mRNA splicing indicates it does not significantly alter splicing (internal data). In summary, the available evidence is currently insufficient to determine the role of this variant in disease. Therefore, it has been classified as a Variant of Uncertain Significance.

Ambry Genetics
Classification: Likely benign for Hereditary cancer-predisposing syndrome. Last evaluated: 2025-09-16. Review status: criteria provided, single submitter. Criteria: Ambry Variant Classification Scheme 2023. Collection method: clinical testing. Allele origin: germline.

GeneDx
Classification: Uncertain significance. Last evaluated: 2024-12-06. Review status: criteria provided, single submitter. Criteria: GeneDx Variant Classification Process June 2021. Collection method: clinical testing. Allele origin: germline. Affected: yes.
Comment: Not observed at significant frequency in large population cohorts (gnomAD); In silico analysis supports that this missense variant has a deleterious effect on protein structure/function; Has not been previously published as pathogenic or benign to our knowledge

All of Us Research Program, National Institutes of Health
Classification: Uncertain significance for Familial adenomatous polyposis 2. Last evaluated: 2024-06-09. Review status: criteria provided, single submitter. Criteria: ACMG Guidelines, 2015. Collection method: clinical testing. Allele origin: germline. Inheritance: Autosomal recessive inheritance. Observed: 2 variant alleles, 2 heterozygotes.
Comment: This missense variant replaces glycine with serine at codon 229 of the MUTYH protein. Computational prediction is inconclusive regarding the impact of this variant on protein structure and function (internally defined REVEL score threshold 0.5 < inconclusive < 0.7, PMID: 27666373). To our knowledge, functional studies have not been reported for this variant. This variant has not been reported in individuals affected with hereditary cancer in the literature. This variant has been identified in 1/251338 chromosomes in the general population by the Genome Aggregation Database (gnomAD). The available evidence is insufficient to determine the role of this variant in disease conclusively. Therefore, this variant is classified as a Variant of Uncertain Significance.

This study involves interpretation of variants in research participants for the purpose of population health screening. Participant phenotype was not available at the time of variant classification. Additional details can be found in publication PMID: 35346344, PMCID: PMC8962531

Color Diagnostics, LLC DBA Color Health
Classification: Uncertain significance for Hereditary cancer-predisposing syndrome. Last evaluated: 2024-03-06. Review status: criteria provided, single submitter. Criteria: ACMG Guidelines, 2015. Collection method: clinical testing. Allele origin: germline.
Comment: This missense variant replaces glycine with serine at codon 229 of the MUTYH protein. Computational prediction is inconclusive regarding the impact of this variant on protein structure and function (internally defined REVEL score threshold 0.5 < inconclusive < 0.7, PMID: 27666373). To our knowledge, functional studies have not been reported for this variant. This variant has not been reported in individuals affected with hereditary cancer in the literature. This variant has been identified in 1/251338 chromosomes in the general population by the Genome Aggregation Database (gnomAD). The available evidence is insufficient to determine the role of this variant in disease conclusively. Therefore, this variant is classified as a Variant of Uncertain Significance.

Baylor Genetics
Classification: Uncertain significance for Familial adenomatous polyposis 2. Last evaluated: 2023-07-04. Review status: criteria provided, single submitter. Criteria: ACMG Guidelines, 2015. Collection method: clinical testing. Allele origin: unknown.